The following is an entry in ClinVar:

ClinVar aggregate classification (germline): Pathogenic/Likely pathogenic. Review status: criteria provided, multiple submitters, no conflicts (2 of 4 stars). 5 submissions from 5 submitters: Pathogenic (3); Likely pathogenic (2). Last evaluated 2025-07-31.

Conditions:
Nijmegen breakage syndrome-like disorder (NBSLD). Also called: MICROCEPHALY AND SPONTANEOUS CHROMOSOME INSTABILITY WITHOUT IMMUNODEFICIENCY; NBS-LIKE DISORDER; RAD50 DEFICIENCY. Identifiers: Orphanet 240760, MedGen C2751318, MONDO:0013118, OMIM 613078.
Hereditary cancer-predisposing syndrome. Also called: Neoplastic Syndromes, Hereditary; Tumor predisposition; Hereditary Cancer Syndrome; Hereditary neoplastic syndrome. Identifiers: Orphanet 140162, MedGen C0027672, MeSH D009386, MONDO:0015356.

Allele frequency attached by ClinVar (database versions not stated): TOPMed below 0.00001.
gnomAD v4.1: 4 of 1,614,038 alleles (0.00025%); highest among the groups gnomAD compares: Non-Finnish European, 0.00034%; no homozygotes.

Submissions (5):

Labcorp Genetics (formerly Invitae), Labcorp
Classification: Pathogenic for Hereditary cancer-predisposing syndrome. Last evaluated: 2025-07-31. Review status: criteria provided, single submitter. Criteria: Invitae Variant Classification Sherloc (09022015). Collection method: clinical testing. Allele origin: germline.
Comment: This sequence change creates a premature translational stop signal (p.Tyr1124*) in the RAD50 gene. It is expected to result in an absent or disrupted protein product. Loss-of-function variants in RAD50 are known to be pathogenic (PMID: 19409520). This variant is not present in population databases (gnomAD no frequency). This variant has not been reported in the literature in individuals affected with RAD50-related conditions. ClinVar contains an entry for this variant (Variation ID: 230674). For these reasons, this variant has been classified as Pathogenic.

Fulgent Genetics
Classification: Likely pathogenic for Nijmegen breakage syndrome-like disorder. Last evaluated: 2022-02-18. Review status: criteria provided, single submitter. Criteria: ACMG Guidelines, 2015. Collection method: clinical testing. Allele origin: unknown.

Ambry Genetics
Classification: Pathogenic for Hereditary cancer-predisposing syndrome. Last evaluated: 2022-01-04. Review status: criteria provided, single submitter. Criteria: Ambry Variant Classification Scheme 2023. Collection method: clinical testing. Allele origin: germline.
Comment: The p.Y1124* pathogenic mutation (also known as c.3372T>A), located in coding exon 21 of the RAD50 gene, results from a T to A substitution at nucleotide position 3372. This changes the amino acid from a tyrosine to a stop codon within coding exon 21. This variant is considered to be rare based on population cohorts in the Genome Aggregation Database (gnomAD). This alteration is expected to result in loss of function by premature protein truncation or nonsense-mediated mRNA decay. As such, this alteration is interpreted as a disease-causing mutation.

Baylor Genetics
Classification: Likely pathogenic for Nijmegen breakage syndrome-like disorder. Last evaluated: 2021-11-11. Review status: criteria provided, single submitter. Criteria: ACMG Guidelines, 2015. Collection method: clinical testing. Allele origin: unknown.

GeneDx
Classification: Pathogenic. Last evaluated: 2018-11-29. Review status: criteria provided, single submitter. Criteria: GeneDx Variant Classification (06012015). Collection method: clinical testing. Allele origin: germline. Affected: yes.
Comment: The Y1124X variant in the RAD50 gene has not been reported previously as a pathogenic variant nor as a benign variant, to our knowledge. This variant is predicted to cause loss of normal protein function either through protein truncation or nonsense-mediated mRNA decay. The Y1124X variant is not observed in large population cohorts (Lek et al., 2016). We interpret Y1124X as a pathogenic variant.

Literature cited by the submitters: PubMed 19409520 (cited by Labcorp Genetics (formerly Invitae), Labcorp).

NM_005732.4(RAD50):c.3372T>A (p.Tyr1124Ter)

Gene: RAD50 (RAD50 double strand break repair protein; plus strand). Cytogenetic location: 5q31.1.
Variant type: single nucleotide variant.
Coding change: c.3372T>A on transcript NM_005732.4 (MANE Select); coding-DNA position 3372, T replaced by A.
Protein change: p.Tyr1124Ter; replaces tyrosine 1124 with a stop codon.
Molecular consequence: nonsense.
Genome position (GRCh38, 1-based): chr5:132,618,277, T>A. VCF-style: chr5-132618277-T-A. GRCh37 (hg19) VCF-style: chr5-131953969-T-A.
Other names: short protein forms Y1124*.
Identifiers: ClinVar variation 230674 (VCV000230674.16), dbSNP rs775069541, ClinGen allele CA10578599.
Genomic context (GRCh38, chr5:132,618,277, plus strand): 5'-TAGAGAAATGATGATTGTTATGAGGACAACAGAACTTGTGAACAAGGATCTGGATATTTA[T>A]TATAAGACTCTTGACCAGTAAGTATTAGACTGGGGATTTTCTTATTGCAGTTAATATTAA-3'